The following is an entry in ClinVar:

NM_000435.3(NOTCH3):c.6187A>T (p.Ser2063Cys)

Gene: NOTCH3 (notch receptor 3; minus strand). Cytogenetic location: 19p13.12.
Variant type: single nucleotide variant.
Coding change: c.6187A>T on transcript NM_000435.3 (MANE Select); coding-DNA position 6187, A replaced by T.
Protein change: p.Ser2063Cys; replaces serine 2063 with cysteine.
Molecular consequence: missense variant.
Genome position (GRCh38, 1-based): chr19:15,161,441, T>A on the plus strand (A>T on the coding strand, the complement: NOTCH3 is on the minus strand). VCF-style: chr19-15161441-T-A. GRCh37 (hg19) VCF-style: chr19-15272252-T-A.
Other names: short protein forms S2063C.
Identifiers: ClinVar variation 2089205 (VCV002089205.4), dbSNP rs1372434604, ClinGen allele CA404490004.

ClinVar aggregate classification (germline): Uncertain significance (1 of 4 stars; one submission).

Allele frequency attached by ClinVar (database versions not stated): gnomAD exomes below 0.00001.
gnomAD v4.1: 1 of 1,548,082 alleles (0.000065%); highest among the groups gnomAD compares: Non-Finnish European, 0.000087%; no homozygotes.

Submission:

Labcorp Genetics (formerly Invitae), Labcorp
Classification: Uncertain significance. Last evaluated: 2022-09-27. Review status: criteria provided, single submitter. Criteria: Invitae Variant Classification Sherloc (09022015). Collection method: clinical testing. Allele origin: germline.
Comment: In summary, the available evidence is currently insufficient to determine the role of this variant in disease. Therefore, it has been classified as a Variant of Uncertain Significance. Advanced modeling of protein sequence and biophysical properties (such as structural, functional, and spatial information, amino acid conservation, physicochemical variation, residue mobility, and thermodynamic stability) performed at Invitae indicates that this missense variant is not expected to disrupt NOTCH3 protein function. This variant has not been reported in the literature in individuals affected with NOTCH3-related conditions. This variant is present in population databases (no rsID available, gnomAD 0.002%). This sequence change replaces serine, which is neutral and polar, with cysteine, which is neutral and slightly polar, at codon 2063 of the NOTCH3 protein (p.Ser2063Cys).